The following is an entry in ClinVar:

ClinVar aggregate classification (germline): Uncertain significance (1 of 4 stars; one submission).

Submission:

Ambry Genetics
Classification: Uncertain significance. Last evaluated: 2026-08-08. Review status: criteria provided, single submitter. Criteria: Ambry Variant Classification Scheme 2023. Collection method: clinical testing. Allele origin: germline.
Comment: The p.Y638N variant (also known as c.1912T>A), located in coding exon 10 of the ATRIP gene, results from a T to A substitution at nucleotide position 1912. The tyrosine at codon 638 is replaced by asparagine, an amino acid with dissimilar properties. This amino acid position is conserved. In addition, the in silico prediction for this alteration is inconclusive. Based on the available evidence, the clinical significance of this variant remains unclear.

NM_130384.3(ATRIP):c.1912T>A (p.Tyr638Asn)

Genes: ATRIP (ATR interacting protein; plus strand), ATRIP-TREX1 (ATRIP-TREX1 readthrough; plus strand). Cytogenetic location: 3p21.31.
Variant type: single nucleotide variant.
Coding change: c.1912T>A on transcript NM_130384.3 (MANE Select); coding-DNA position 1912, T replaced by A.
Protein change: p.Tyr638Asn; replaces tyrosine 638 with asparagine.
Molecular consequence: missense variant. On other transcripts: non-coding transcript variant (1).
Genome position (GRCh38, 1-based): chr3:48,464,070, T>A. VCF-style: chr3-48464070-T-A. GRCh37 (hg19) VCF-style: chr3-48505469-T-A.
Other names: c.1531T>A, p.Tyr511Asn (NM_001271022.2); c.1633T>A, p.Tyr545Asn (NM_001271023.2); c.1912T>A, p.Tyr638Asn (NM_032166.4); short protein forms Y511N, Y545N, Y638N.
Identifiers: ClinVar variation 5032451 (VCV005032451.1).